The following is an entry in ClinVar:

ClinVar aggregate classification (germline): Uncertain significance (1 of 4 stars; one submission).

gnomAD v4.1: 1 of 1,206,222 alleles (0.000083%); no homozygotes.

Submission:

GeneDx
Classification: Uncertain significance. Last evaluated: 2025-05-22. Review status: criteria provided, single submitter. Criteria: GeneDx Variant Classification Process June 2021. Collection method: clinical testing. Allele origin: germline. Affected: yes.
Comment: Not observed at significant frequency in large population cohorts (gnomAD); In silico analysis supports that this missense variant has a deleterious effect on protein structure/function; Has not been previously published as pathogenic or benign to our knowledge

NM_004208.4(AIFM1):c.955C>G (p.Leu319Val)

Genes: AIFM1 (apoptosis inducing factor mitochondria associated 1; minus strand), RAB33A (RAB33A, member RAS oncogene family; plus strand). Cytogenetic location: Xq26.1.
Variant type: single nucleotide variant.
Coding change: c.955C>G on transcript NM_004208.4 (MANE Select); coding-DNA position 955, C replaced by G.
Protein change: p.Leu319Val; replaces leucine 319 with valine.
Molecular consequence: missense variant. On other transcripts: non-coding transcript variant (1).
Genome position (GRCh38, 1-based): chrX:130,138,605, G>C on the plus strand (C>G on the coding strand, the complement: AIFM1 is on the minus strand). VCF-style: chrX-130138605-G-C. GRCh37 (hg19) VCF-style: chrX-129272580-G-C.
Other names: c.955C>G, p.Leu319Val (NM_001130847.4); c.943C>G, p.Leu315Val (NM_145812.3); short protein forms L315V, L319V.
Identifiers: ClinVar variation 4530955 (VCV004530955.1).